The following is an entry in ClinVar:

ClinVar aggregate classification (germline): Uncertain significance (1 of 4 stars; one submission).

Conditions:
Arrhythmogenic right ventricular dysplasia 9 (ARVD9). Also called: Arrhythmogenic Right Ventricular Dysplasia/Cardiomyopathy 9; ARRHYTHMOGENIC RIGHT VENTRICULAR DYSPLASIA, FAMILIAL, 9. Identifiers: MedGen C1836906, MONDO:0012180, OMIM 609040.

Submission:

Labcorp Genetics (formerly Invitae), Labcorp
Classification: Uncertain significance for Arrhythmogenic right ventricular dysplasia 9. Last evaluated: 2021-03-01. Review status: criteria provided, single submitter. Criteria: Invitae Variant Classification Sherloc (09022015). Collection method: clinical testing. Allele origin: germline.
Comment: This sequence change replaces valine with phenylalanine at codon 682 of the PKP2 protein (p.Val682Phe). The valine residue is highly conserved and there is a small physicochemical difference between valine and phenylalanine. This variant is not present in population databases (ExAC no frequency). This variant has not been reported in the literature in individuals with PKP2-related conditions. Algorithms developed to predict the effect of missense changes on protein structure and function are either unavailable or do not agree on the potential impact of this missense change (SIFT: "Deleterious"; PolyPhen-2: "Possibly Damaging"; Align-GVGD: "Class C0"). In summary, the available evidence is currently insufficient to determine the role of this variant in disease. Therefore, it has been classified as a Variant of Uncertain Significance.

NM_001005242.3(PKP2):c.1912G>T (p.Val638Phe)

Gene: PKP2 (plakophilin 2; minus strand). Cytogenetic location: 12p11.21.
Variant type: single nucleotide variant.
Coding change: c.1912G>T on transcript NM_001005242.3 (MANE Select); coding-DNA position 1912, G replaced by T.
Protein change: p.Val638Phe; replaces valine 638 with phenylalanine.
Molecular consequence: missense variant.
Genome position (GRCh38, 1-based): chr12:32,821,457, C>A on the plus strand (G>T on the coding strand, the complement: PKP2 is on the minus strand). VCF-style: chr12-32821457-C-A. GRCh37 (hg19) VCF-style: chr12-32974391-C-A.
Other names: c.2044G>T, p.Val682Phe (NM_004572.4); short protein forms V682F, V638F.
Identifiers: ClinVar variation 1509732 (VCV001509732.8), dbSNP rs2137773553, ClinGen allele CA384361860.
Genomic context (GRCh38, chr12:32,821,457, plus strand): 5'-ATGCTTCTTGTGTGTAGTTGCGGACACTTTTGGCGATCAAGGACAGATACATCCTTATAA[C>A]AATGGAATGCCACAGCCACTCCACGCCCTTGGGGTTGCTCTTTTCCTCCGGCATCGGCAC-3'
Protein context (NP_001005242.2, residues 628-648): KGVEWLWHSI[Val638Phe]IRMYLSLIAK